The following is an entry in ClinVar:

ClinVar aggregate classification (germline): Uncertain significance. Review status: criteria provided, multiple submitters, no conflicts (2 of 4 stars). 2 submissions from 2 submitters: Uncertain significance (2). Last evaluated 2025-08-05.

Conditions:
Naxos disease (NXD). Also called: WOOLLY HAIR, PALMOPLANTAR KERATODERMA, AND CARDIAC ABNORMALITIES; KERATOSIS PALMOPLANTARIS WITH ARRHYTHMOGENIC CARDIOMYOPATHY; MAL DE NAXOS; PALMOPLANTAR KERATODERMA WITH ARRHYTHMOGENIC RIGHT VENTRICULAR CARDIOMYOPATHY AND WOOLLY HAIR; CARDIOMYOPATHY, ARRHYTHMOGENIC RIGHT VENTRICULAR, WITH SKIN, HAIR, AND NAIL ABNORMALITIES. Identifiers: Orphanet 34217, MedGen C1832600, MONDO:0011017, OMIM 601214.
Arrhythmogenic right ventricular dysplasia 12. Also called: ARRHYTHMOGENIC RIGHT VENTRICULAR DYSPLASIA, FAMILIAL, 12. Identifiers: MedGen C1969081, MONDO:0012684, OMIM 611528.
Cardiovascular phenotype. Identifiers: MedGen CN230736.

gnomAD v4.1: 2 of 1,614,176 alleles (0.00012%); highest among the groups gnomAD compares: Non-Finnish European, 0.00017%; no homozygotes.

Submissions (2):

Ambry Genetics
Classification: Uncertain significance for Cardiovascular phenotype. Last evaluated: 2025-08-05. Review status: criteria provided, single submitter. Criteria: Ambry Variant Classification Scheme 2023. Collection method: clinical testing. Allele origin: germline.

Labcorp Genetics (formerly Invitae), Labcorp
Classification: Uncertain significance for Arrhythmogenic right ventricular dysplasia 12; Naxos disease. Last evaluated: 2022-01-16. Review status: criteria provided, single submitter. Criteria: Invitae Variant Classification Sherloc (09022015). Collection method: clinical testing. Allele origin: germline.
Comment: In summary, the available evidence is currently insufficient to determine the role of this variant in disease. Therefore, it has been classified as a Variant of Uncertain Significance. Algorithms developed to predict the effect of missense changes on protein structure and function are either unavailable or do not agree on the potential impact of this missense change (SIFT: "Tolerated"; PolyPhen-2: "Probably Damaging"; Align-GVGD: "Class C0"). This variant has not been reported in the literature in individuals affected with JUP-related conditions. This variant is not present in population databases (gnomAD no frequency). This sequence change replaces asparagine, which is neutral and polar, with lysine, which is basic and polar, at codon 406 of the JUP protein (p.Asn406Lys).

NM_002230.4(JUP):c.1218C>A (p.Asn406Lys)

Gene: JUP (junction plakoglobin; minus strand). Cytogenetic location: 17q21.2.
Variant type: single nucleotide variant.
Coding change: c.1218C>A on transcript NM_002230.4 (MANE Select); coding-DNA position 1218, C replaced by A.
Protein change: p.Asn406Lys; replaces asparagine 406 with lysine.
Molecular consequence: missense variant.
Genome position (GRCh38, 1-based): chr17:41,763,262, G>T on the plus strand (C>A on the coding strand, the complement: JUP is on the minus strand). VCF-style: chr17-41763262-G-T. GRCh37 (hg19) VCF-style: chr17-39919514-G-T.
Other names: c.1218C>A, p.Asn406Lys (NM_001352773.2, NM_001352774.2, NM_001352775.2 and 3 more transcripts); short protein forms N406K.
Identifiers: ClinVar variation 1916207 (VCV001916207.6), dbSNP rs782565128, ClinGen allele CA399497969.
Genomic context (GRCh38, chr17:41,763,262, plus strand): 5'-CTTGTTCTTGCTGTTGTTGCATGTCAGGTTGGAGAGTGTGCCCGTGGCACAGGTGAGGAC[G>T]TTGACGTCATCCACACTCAGCTGATTCACCAGAATCTTCAGCACACTCTCCAGGCCCTCC-3'
Protein context (NP_002221.1, residues 396-416): LVNQLSVDDV[Asn406Lys]VLTCATGTLS